The following is an entry in ClinVar:

NM_000219.6(KCNE1):c.327T>G (p.Val109=)

Gene: KCNE1 (potassium voltage-gated channel subfamily E regulatory subunit 1; minus strand). Cytogenetic location: 21q22.12.
Variant type: single nucleotide variant.
Coding change: c.327T>G on transcript NM_000219.6 (MANE Select); coding-DNA position 327, T replaced by G.
Protein change: p.Val109=; no amino-acid change (valine 109 retained).
Molecular consequence: synonymous variant.
Genome position (GRCh38, 1-based): chr21:34,449,308, A>C on the plus strand (T>G on the coding strand, the complement: KCNE1 is on the minus strand). VCF-style: chr21-34449308-A-C. GRCh37 (hg19) VCF-style: chr21-35821606-A-C.
Other names: c.327T>G, p.Val109= (NM_001127668.4, NM_001127669.4, NM_001127670.4 and 4 more transcripts).
Identifiers: ClinVar variation 753845 (VCV000753845.10), dbSNP rs1601042810, ClinGen allele CA915952600.
Genomic context (GRCh38, chr21:34,449,308, plus strand): 5'-TGGGGAAGGCTTCGTCTCAGGAAGGTGTGTGTTGGGTTGTTCTATGGCCAGATGGTTTTC[A>C]ACGACATAGCACGACCTGTAGCTCTCCAGGACCCGGGCCTGGACATAGGCCTTGTCCTTC-3'
Protein context (NP_000210.2, residues 99-119): VLESYRSCYV[Val109=]ENHLAIEQPN

ClinVar aggregate classification (germline): Likely benign (1 of 4 stars; one submission).

Conditions:
Long QT syndrome (LQTS). Identifiers: MedGen C0023976, MeSH D008133, MONDO:0002442. Disease mechanism: loss of function. Inheritance: Various modes of inheritance.

Submissions (2):

Labcorp Genetics (formerly Invitae), Labcorp
Classification: Likely benign for Long QT syndrome. Last evaluated: 2022-02-04. Review status: criteria provided, single submitter. Criteria: Invitae Variant Classification Sherloc (09022015). Collection method: clinical testing. Allele origin: germline.

Roden Lab, Vanderbilt University Medical Center
No classification provided (evidence only). Condition: Long QT syndrome 5. Review status: no classification provided. Collection method: in vitro. Allele origin: not applicable. Functional consequence: Effect on ion channel function. Not counted in ClinVar's aggregate classification.
ClinVar note: "not provided" was previously submitted as the classification for the variant. However, the classification appeared to be based only on an observation of functional data so it was converted to no classification on 2025-07-30.